The following is an entry in ClinVar:

ClinVar aggregate classification (germline): Pathogenic (1 of 4 stars; one submission).

Submission:

Labcorp Genetics (formerly Invitae), Labcorp
Classification: Pathogenic. Last evaluated: 2023-04-25. Review status: criteria provided, single submitter. Criteria: Invitae Variant Classification Sherloc (09022015). Collection method: clinical testing. Allele origin: germline.
Comment: For these reasons, this variant has been classified as Pathogenic. This variant has not been reported in the literature in individuals affected with ATP8B1-related conditions. This variant is present in population databases (no rsID available, gnomAD 0.009%). This sequence change creates a premature translational stop signal (p.Thr536Serfs*5) in the ATP8B1 gene. It is expected to result in an absent or disrupted protein product. Loss-of-function variants in ATP8B1 are known to be pathogenic (PMID: 15239083, 22525741).

Literature cited by the submitters: PubMed 15239083; PubMed 22525741.

NM_001374385.1(ATP8B1):c.1607_1608del (p.Thr536fs)

Gene: ATP8B1 (ATPase phospholipid transporting 8B1; minus strand). Cytogenetic location: 18q21.31.
Variant type: Microsatellite.
Coding change: c.1607_1608del on transcript NM_001374385.1 (MANE Select); coding-DNA positions 1607 to 1608, 2 bases deleted (CA; older notation c.1607_1608delCA).
Protein change: p.Thr536fs; shifts the reading frame from threonine 536.
Molecular consequence: frameshift variant.
Genome position (GRCh38, 1-based): chr18:57,684,058-57,684,059, TG deleted on the plus strand (CA on the coding strand, the reverse complement: ATP8B1 is on the minus strand); deleting any 2 consecutive bases within chr18:57,684,058-57,684,063 gives the same sequence; the c. name uses the placement nearest the transcript's 3' end. VCF-style (leftmost placement, unchanged base first): chr18-57684057-CTG-C. GRCh37 (hg19) VCF-style: chr18-55351289-CTG-C.
Other names: c.1457_1458del, p.Thr486fs (NM_001374386.1); c.1607_1608del, p.Thr536fs (NM_005603.6); short protein forms T486fs, T536fs.
Identifiers: ClinVar variation 2736746 (VCV002736746.3), dbSNP rs1323188207, ClinGen allele CA630054861.